The following is an entry in ClinVar:

NM_032119.4(ADGRV1):c.1544A>G (p.Tyr515Cys)

Gene: ADGRV1 (adhesion G protein-coupled receptor V1; plus strand). Cytogenetic location: 5q14.3.
Variant type: single nucleotide variant.
Coding change: c.1544A>G on transcript NM_032119.4 (MANE Select); coding-DNA position 1544, A replaced by G.
Protein change: p.Tyr515Cys; replaces tyrosine 515 with cysteine.
Molecular consequence: missense variant. On other transcripts: non-coding transcript variant (1).
Genome position (GRCh38, 1-based): chr5:90,629,244, A>G. VCF-style: chr5-90629244-A-G. GRCh37 (hg19) VCF-style: chr5-89925061-A-G.
Other names: p.Tyr515Cys; short protein forms Y515C.
Identifiers: ClinVar variation 4018244 (VCV004018244.2).
Genomic context (GRCh38, chr5:90,629,244, plus strand): 5'-TTTAATATTTTATTCCTTTACTTCAGCTTTTGTTCTACATTCAGGATAGTGATGATGTCT[A>G]TGGCCTAATAACATTTTTTCCTATGGAAAACCAGAAGATTGAAAGCAGCCCAGGTGAACG-3'
Protein context (NP_115495.3, residues 505-525): LFYIQDSDDV[Tyr515Cys]GLITFFPMEN

ClinVar aggregate classification (germline): Uncertain significance. Review status: criteria provided, multiple submitters, no conflicts (2 of 4 stars). 2 submissions from 2 submitters: Uncertain significance (2). Last evaluated 2025-05-29.

Conditions:
Inborn genetic diseases. Identifiers: MedGen C0950123, MeSH D030342.

gnomAD v4.1: 20 of 1,609,664 alleles (0.0012%); highest among the groups gnomAD compares: Non-Finnish European, 0.0014%; no homozygotes.

Submissions (2):

Ambry Genetics
Classification: Uncertain significance for Inborn genetic diseases. Last evaluated: 2025-05-29. Review status: criteria provided, single submitter. Criteria: Ambry Variant Classification Scheme 2023. Collection method: clinical testing. Allele origin: germline.

Mayo Clinic Laboratories, Mayo Clinic
Classification: Uncertain significance. Last evaluated: 2024-10-16. Review status: criteria provided, single submitter. Criteria: ACMG Guidelines, 2015. Collection method: clinical testing. Allele origin: germline. Observed: 1 variant allele.
Comment: PM2_supporting